The following is an entry in ClinVar:

ClinVar aggregate classification (germline): Likely benign (1 of 4 stars; one submission).

Allele frequency attached by ClinVar (database versions not stated): gnomAD exomes 0.00072; gnomAD 0.00676 and 0.00722; 1000 Genomes Project 0.00899; 1000 Genomes Project 30x 0.00999.
gnomAD v4.1: 2,102 of 1,609,948 alleles (0.13%); highest among the groups gnomAD compares: African/African-American, 2.5%; 2 homozygotes.

Submission:

GeneDx
Classification: Likely benign. Last evaluated: 2018-06-14. Review status: criteria provided, single submitter. Criteria: GeneDx Variant Classification (06012015). Collection method: clinical testing. Allele origin: germline. Affected: yes.
Comment: This variant is considered likely benign or benign based on one or more of the following criteria: it is a conservative change, it occurs at a poorly conserved position in the protein, it is predicted to be benign by multiple in silico algorithms, and/or has population frequency not consistent with disease.

NM_001267550.2(TTN):c.38708-27C>T

Gene: TTN (titin; minus strand). Cytogenetic location: 2q31.2.
Variant type: single nucleotide variant.
Coding change: c.38708-27C>T on transcript NM_001267550.2 (MANE Select); 27 bases into the intron before coding-DNA position 38708, C replaced by T.
Molecular consequence: intron variant.
Genome position (GRCh38, 1-based): chr2:178,653,348, G>A on the plus strand (C>T on the coding strand, the complement: TTN is on the minus strand). VCF-style: chr2-178653348-G-A. GRCh37 (hg19) VCF-style: chr2-179518075-G-A.
Other names: c.13283-11031C>T (NM_003319.4); c.13859-11031C>T (NM_133437.4); c.13658-11031C>T (NM_133432.3); c.31742-807C>T (NM_133378.4); c.34523-807C>T (NM_001256850.1).
Identifiers: ClinVar variation 675383 (VCV000675383.1), dbSNP rs141983264, ClinGen allele CA1997087.
Genomic context (GRCh38, chr2:178,653,348, plus strand): 5'-TTTTCAAGGACAACTTCTTTGGGAGCCTCTGGCACTTAAAAGATATTAGTAAAGTTACAT[G>A]TAGAGCTATGGAGACTACTAGCAAAATATACAGCAGAGGAATTGGATCTTCTGAAGCTTA-3'